The following is an entry in ClinVar:

ClinVar aggregate classification (germline): Conflicting classifications of pathogenicity. Review status: criteria provided, conflicting classifications (1 of 4 stars). 9 submissions from 9 submitters: Pathogenic (4); Likely pathogenic (2); Uncertain significance (1). 2 of the submissions do not count toward it. Last evaluated 2024-11-26.

Conditions:
Obesity. Also called: Obesity disorder. Identifiers: Orphanet 71529, MedGen C0028754, MeSH D009765, MONDO:0011122, HP:0001513.
MC4R-related disorder. Also called: MC4R-related condition.
BODY MASS INDEX QUANTITATIVE TRAIT LOCUS 20 (BMIQ20). Also called: MELANOCORTIN 4 RECEPTOR DEFICIENCY; MC4R DEFICIENCY. Identifiers: MedGen C4759928, OMIM 618406.

Submissions (9):

PreventionGenetics, part of Exact Sciences
Classification: Pathogenic for MC4R-related condition. Last evaluated: 2024-11-26. Review status: criteria provided, single submitter. Criteria: ACMG Guidelines, 2015. Collection method: clinical testing. Allele origin: germline.
Comment: The MC4R c.485C>T variant is predicted to result in the amino acid substitution p.Thr162Ile. This variant has been reported in the heterozygous and homozygous states in several individuals with severe early-onset obesity (Tan et al. 2009. PubMed ID: 18801902; Stanford et al. 2012. PubMed ID: 23431915). Experimental studies have demonstrated that this variant causes MC4R ER-retention and decrease surface residence (Tan et al. 2009. PubMed ID: 18801902; René et al. 2010. PubMed ID: 20826565; He et al. 2014. PubMed ID: 25332687). This variant has not been reported in a large population database (gnomAD), indicating this variant is rare. This variant is interpreted as pathogenic.

Dubai Health Genomic Medicine Center, Dubai Health
Classification: Pathogenic for Obesity. Last evaluated: 2024-10-04. Review status: criteria provided, single submitter. Criteria: ACMG Guidelines, 2015. Collection method: research. Allele origin: germline. Affected: yes.
Comment: PS3,PM3 (very strong),PM2,PP3

GeneDx
Classification: Likely pathogenic. Last evaluated: 2023-09-27. Review status: criteria provided, single submitter. Criteria: GeneDx Variant Classification Process June 2021. Collection method: clinical testing. Allele origin: germline. Affected: yes.
Comment: Published functional studies demonstrate a significant reduction in cell surface expression and signaling response (Tan et al., 2009; He et al., 2014); In silico analysis supports that this missense variant has a deleterious effect on protein structure/function; Not observed at significant frequency in large population cohorts (gnomAD); This variant is associated with the following publications: (PMID: 20826565, 25332687, 31002796, 35095762, 18801902, 23431915)

Baylor Genetics
Classification: Pathogenic for BODY MASS INDEX QUANTITATIVE TRAIT LOCUS 20. Last evaluated: 2020-06-08. Review status: criteria provided, single submitter. Criteria: ACMG Guidelines, 2015. Collection method: clinical testing. Allele origin: unknown. Affected: yes.
Comment: This variant was determined to be pathogenic according to ACMG Guidelines, 2015 [PMID:25741868].

Blueprint Genetics
Classification: Pathogenic for MC4R-related disorders. Last evaluated: 2020-04-24. Review status: criteria provided, single submitter. Criteria: ACMG Guidelines, 2015. Collection method: clinical testing. Allele origin: germline. Affected: yes. Observed: 3 variant alleles.

Genetic Services Laboratory, University of Chicago
Classification: Likely pathogenic. Last evaluated: 2019-01-02. Review status: criteria provided, single submitter. Criteria: ACMG Guidelines, 2015. Collection method: clinical testing. Allele origin: germline. Affected: yes.
Comment: DNA sequence analysis of the MC4R gene demonstrated a sequence change, c.485C>T, in exon 1 that results in an amino acid change, p.Thr162Ile, in the apparent homozygous state. This sequence change affects a highly conserved amino acid residue located in a domain of the MC4R protein that is known to be functional. The p.Thr162Ile substitution appears to be deleterious using several in-silico pathogenicity prediction tools (SIFT PolyPhen2, Align GVGD, REVEL). This sequence change has been previously described in the heterozygous and homozygous state in patients with severe early-onset obesity (Tan et al., 2009). Functional studies have also demonstrated impaired cell surface trafficking, and reduced ability to generate cAMP in response to ligand (Tan et al. 2009).

Eurofins Ntd Llc (ga)
Classification: Uncertain significance. Last evaluated: 2017-01-24. Review status: criteria provided, single submitter. Criteria: EGL Classification Definitions 2015. Collection method: clinical testing. Allele origin: germline. Observed: 1 variant allele, 1 homozygote.

Imperial College London Diabetes Centre, Mubadala Healthcare
Classification: Pathogenic for BODY MASS INDEX QUANTITATIVE TRAIT LOCUS 20. Last evaluated: 2020-05-01. Review status: no assertion criteria provided. Collection method: clinical testing. Allele origin: unknown. Affected: yes. Observed: 5 variant alleles. Not counted in ClinVar's aggregate classification.

Biochemical Molecular Genetic Laboratory, King Abdulaziz Medical City
Classification: Pathogenic for BODY MASS INDEX QUANTITATIVE TRAIT LOCUS 20. Last evaluated: 2020-02-05. Review status: no assertion criteria provided. Collection method: clinical testing. Allele origin: germline. Affected: yes. Not counted in ClinVar's aggregate classification.

NM_005912.3(MC4R):c.485C>T (p.Thr162Ile)

Gene: MC4R (melanocortin 4 receptor; minus strand). Cytogenetic location: 18q21.32.
Variant type: single nucleotide variant.
Coding change: c.485C>T on transcript NM_005912.3 (MANE Select); coding-DNA position 485, C replaced by T.
Protein change: p.Thr162Ile; replaces threonine 162 with isoleucine.
Molecular consequence: missense variant.
Genome position (GRCh38, 1-based): chr18:60,371,865, G>A on the plus strand (C>T on the coding strand, the complement: MC4R is on the minus strand). VCF-style: chr18-60371865-G-A. GRCh37 (hg19) VCF-style: chr18-58039098-G-A.
Other names: p.Thr162Ile; short protein forms T162I.
Identifiers: ClinVar variation 499550 (VCV000499550.17), dbSNP rs1555691402, ClinGen allele CA402719705.
Genomic context (GRCh38, chr18:60,371,865, plus strand): 5'-ATGCCTGAAACCGTGCAAGCTGCCCAGATACAACTTATGATGATCCCAACCCGCTTAACT[G>A]TCATAATGTTATGGTACTGGAGAGCATAGAAGATAGTAAAGTACCTGTCCACTGCAATTG-3'
Protein context (NP_005903.2, residues 152-172): FYALQYHNIM[Thr162Ile]VKRVGIIISC